The following is an entry in ClinVar:

ClinVar aggregate classification (germline): Uncertain significance. Review status: criteria provided, multiple submitters, no conflicts (2 of 4 stars). 2 submissions from 2 submitters: Uncertain significance (2). Last evaluated 2024-04-12.

Conditions:
Amyotrophic lateral sclerosis type 15. Also called: AMYOTROPHIC LATERAL SCLEROSIS 15 WITH FRONTOTEMPORAL DEMENTIA. Identifiers: Orphanet 803, MedGen C3275459, MONDO:0010459, OMIM 300857.

Submissions (2):

Labcorp Genetics (formerly Invitae), Labcorp
Classification: Uncertain significance for Amyotrophic lateral sclerosis type 15. Last evaluated: 2024-04-12. Review status: criteria provided, single submitter. Criteria: Invitae Variant Classification Sherloc (09022015). Collection method: clinical testing. Allele origin: germline.
Comment: This sequence change replaces aspartic acid, which is acidic and polar, with histidine, which is basic and polar, at codon 85 of the UBQLN2 protein (p.Asp85His). This variant is not present in population databases (gnomAD no frequency). This variant has not been reported in the literature in individuals affected with UBQLN2-related conditions. Advanced modeling of protein sequence and biophysical properties (such as structural, functional, and spatial information, amino acid conservation, physicochemical variation, residue mobility, and thermodynamic stability) has been performed at Invitae for this missense variant, however the output from this modeling did not meet the statistical confidence thresholds required to predict the impact of this variant on UBQLN2 protein function. In summary, the available evidence is currently insufficient to determine the role of this variant in disease. Therefore, it has been classified as a Variant of Uncertain Significance.

Mayo Clinic Laboratories, Mayo Clinic
Classification: Uncertain significance. Last evaluated: 2023-04-12. Review status: criteria provided, single submitter. Criteria: ACMG Guidelines, 2015. Collection method: clinical testing. Allele origin: germline. Observed: 1 variant allele.
Comment: PM2

NM_013444.4(UBQLN2):c.253G>C (p.Asp85His)

Gene: UBQLN2 (ubiquilin 2; plus strand). Cytogenetic location: Xp11.21.
Variant type: single nucleotide variant.
Coding change: c.253G>C on transcript NM_013444.4 (MANE Select); coding-DNA position 253, G replaced by C.
Protein change: p.Asp85His; replaces aspartic acid 85 with histidine.
Molecular consequence: missense variant.
Genome position (GRCh38, 1-based): chrX:56,564,126, G>C. VCF-style: chrX-56564126-G-C. GRCh37 (hg19) VCF-style: chrX-56590559-G-C.
Other names: p.Asp85His; short protein forms D85H.
Identifiers: ClinVar variation 2683591 (VCV002683591.3), dbSNP rs2519961745, ClinGen allele CA413377921.